The following is an entry in ClinVar:

ClinVar aggregate classification (germline): Conflicting classifications of pathogenicity. Review status: criteria provided, conflicting classifications (1 of 4 stars). 2 submissions from 2 submitters: Uncertain significance (1); Likely benign (1). Last evaluated 2026-04-16.

Conditions:
Hereditary cancer-predisposing syndrome. Also called: Tumor predisposition; Hereditary neoplastic syndrome; Hereditary Cancer Syndrome; Neoplastic Syndromes, Hereditary. Identifiers: Orphanet 140162, MedGen C0027672, MeSH D009386, MONDO:0015356.
Gastrointestinal stromal tumor. Also called: Gastrointestinal stroma tumor; Gastrointestinal stromal tumor, somatic. Identifiers: Orphanet 44890, MedGen C0238198, MeSH D046152, MONDO:0011719, OMIM 606764, HP:0100723.

Submissions (2):

Ambry Genetics
Classification: Uncertain significance for Hereditary cancer-predisposing syndrome. Last evaluated: 2026-04-16. Review status: criteria provided, single submitter. Criteria: Ambry Variant Classification Scheme 2023. Collection method: clinical testing. Allele origin: germline.
Comment: The c.993A>G variant (also known as p.V331V), located in coding exon 6 of the KIT gene, results from an A to G substitution at nucleotide position 993. This nucleotide substitution does not change the amino acid at codon 331. This nucleotide position is not well conserved in available vertebrate species. In silico splice site analysis predicts that this alteration may result in the creation or strengthening of a novel splice acceptor site. Based on the available evidence, the clinical significance of this variant remains unclear.

Labcorp Genetics (formerly Invitae), Labcorp
Classification: Likely benign for Gastrointestinal stromal tumor. Last evaluated: 2025-11-05. Review status: criteria provided, single submitter. Criteria: Invitae Variant Classification Sherloc (09022015). Collection method: clinical testing. Allele origin: germline.

NM_000222.3(KIT):c.993A>G (p.Val331=)

Gene: KIT (KIT proto-oncogene, receptor tyrosine kinase; plus strand). Cytogenetic location: 4q12.
Variant type: single nucleotide variant.
Coding change: c.993A>G on transcript NM_000222.3 (MANE Select); coding-DNA position 993, A replaced by G.
Protein change: p.Val331=; no amino-acid change (valine 331 retained).
Molecular consequence: synonymous variant.
Genome position (GRCh38, 1-based): chr4:54,707,165, A>G. VCF-style: chr4-54707165-A-G. GRCh37 (hg19) VCF-style: chr4-55573331-A-G.
Other names: c.993A>G, p.Val331= (NM_001093772.2, NM_001385285.1, NM_001385286.1); c.996A>G, p.Val332= (NM_001385284.1, NM_001385288.1, NM_001385290.1 and 1 more transcripts).
Identifiers: ClinVar variation 528637 (VCV000528637.12), dbSNP rs1553888778, ClinGen allele CA439288602.